The following is an entry in ClinVar:

ClinVar aggregate classification (germline): Uncertain significance. Review status: criteria provided, multiple submitters, no conflicts (2 of 4 stars). 2 submissions from 2 submitters: Uncertain significance (2). Last evaluated 2025-02-23.

Allele frequency attached by ClinVar (database versions not stated): gnomAD exomes below 0.00001; gnomAD 0.00001; TOPMed 0.00001.

Submissions (2):

Labcorp Genetics (formerly Invitae), Labcorp
Classification: Uncertain significance. Last evaluated: 2025-02-23. Review status: criteria provided, single submitter. Criteria: Invitae Variant Classification Sherloc (09022015). Collection method: clinical testing. Allele origin: germline.
Comment: This sequence change replaces threonine, which is neutral and polar, with alanine, which is neutral and non-polar, at codon 1219 of the A2ML1 protein (p.Thr1219Ala). This variant is not present in population databases (gnomAD no frequency). This variant has not been reported in the literature in individuals affected with A2ML1-related conditions. ClinVar contains an entry for this variant (Variation ID: 946223). An algorithm developed to predict the effect of missense changes on protein structure and function outputs the following: PolyPhen-2: "Benign". The alanine amino acid residue is found in multiple mammalian species, which suggests that this missense change does not adversely affect protein function. In summary, the available evidence is currently insufficient to determine the role of this variant in disease. Therefore, it has been classified as a Variant of Uncertain Significance.

Ambry Genetics
Classification: Uncertain significance. Last evaluated: 2022-12-04. Review status: criteria provided, single submitter. Criteria: Ambry Variant Classification Scheme 2023. Collection method: clinical testing. Allele origin: germline.
Comment: The p.T1219A variant (also known as c.3655A>G), located in coding exon 29 of the A2ML1 gene, results from an A to G substitution at nucleotide position 3655. The threonine at codon 1219 is replaced by alanine, an amino acid with similar properties. This amino acid position is conserved. In addition, this alteration is predicted to be tolerated by in silico analysis. Since supporting evidence is limited at this time, the clinical significance of this alteration remains unclear.

NM_144670.6(A2ML1):c.3655A>G (p.Thr1219Ala)

Gene: A2ML1 (alpha-2-macroglobulin like 1; plus strand). Cytogenetic location: 12p13.31.
Variant type: single nucleotide variant.
Coding change: c.3655A>G on transcript NM_144670.6 (MANE Select); coding-DNA position 3655, A replaced by G.
Protein change: p.Thr1219Ala; replaces threonine 1219 with alanine.
Molecular consequence: missense variant.
Genome position (GRCh38, 1-based): chr12:8,863,946, A>G. VCF-style: chr12-8863946-A-G. GRCh37 (hg19) VCF-style: chr12-9016542-A-G.
Other names: c.2182A>G, p.Thr728Ala (NM_001282424.3); c.3655A>G (NM_144670.3); short protein forms T1219A, T728A.
Identifiers: ClinVar variation 946223 (VCV000946223.11), dbSNP rs1565489972, ClinGen allele CA383842424.